The following is an entry in ClinVar:

ClinVar aggregate classification (germline): Likely benign (1 of 4 stars; one submission).

Submissions (2):

CeGaT Center for Human Genetics Tuebingen
Classification: Likely benign. Last evaluated: 2025-05-01. Review status: criteria provided, single submitter. Criteria: CeGaT Center For Human Genetics Tuebingen Variant Classification Criteria Version 2. Collection method: clinical testing. Allele origin: germline. Affected: yes. Observed: 1 variant allele.
Comment: DGKB: BP4, BS2

Dr. Peter K. Rogan Lab, Western University
No classification provided (evidence only). Condition: Sarcoma. Review status: no classification provided. Collection method: in vitro. Allele origin: not applicable. Functional consequence: retained intron. Not counted in ClinVar's aggregate classification.

NM_001350709.2(DGKB):c.169-5T>A

Gene: DGKB (diacylglycerol kinase beta; minus strand). Cytogenetic location: 7p21.2.
Variant type: single nucleotide variant.
Coding change: c.169-5T>A on transcript NM_001350709.2 (MANE Select); 5 bases into the intron before coding-DNA position 169, T replaced by A.
Molecular consequence: intron variant.
Genome position (GRCh38, 1-based): chr7:14,736,199, A>T on the plus strand (T>A on the coding strand, the complement: DGKB is on the minus strand). VCF-style: chr7-14736199-A-T. GRCh37 (hg19) VCF-style: chr7-14775824-A-T.
Other names: NC_000007.13:g.14775824A>T; c.43-5T>A (NM_001350722.2, NM_001350723.2); c.148-5T>A (NM_001350711.2, NM_001350720.1, NM_001350712.1 and 4 more transcripts); c.169-5T>A (NM_001350717.2, NM_001350707.2, NM_001350718.1 and 5 more transcripts); c.22-5T>A (NM_001350724.2).
Identifiers: ClinVar variation 3904859 (VCV003904859.11).